The following is an entry in ClinVar:

NM_172107.4(KCNQ2):c.476G>A (p.Gly159Glu)

Gene: KCNQ2 (potassium voltage-gated channel subfamily Q member 2; minus strand). Cytogenetic location: 20q13.33.
Variant type: single nucleotide variant.
Coding change: c.476G>A on transcript NM_172107.4 (MANE Select); coding-DNA position 476, G replaced by A.
Protein change: p.Gly159Glu; replaces glycine 159 with glutamic acid.
Molecular consequence: missense variant.
Genome position (GRCh38, 1-based): chr20:63,445,276, C>T on the plus strand (G>A on the coding strand, the complement: KCNQ2 is on the minus strand). VCF-style: chr20-63445276-C-T. GRCh37 (hg19) VCF-style: chr20-62076629-C-T.
Other names: c.476G>A, p.Gly159Glu (NM_004518.6, NM_172106.3, NM_172108.5 and 1 more transcripts); short protein forms G159E.
Identifiers: ClinVar variation 369747 (VCV000369747.2), dbSNP rs1057516081, ClinGen allele CA10654830.

ClinVar aggregate classification (germline): not provided (0 of 4 stars; one submission).

Conditions:
Seizures, benign familial neonatal, 1. Also called: KCNQ2-Related Benign Familial Neonatal Epilepsy; Benign Neonatal Epilepsy 1; KCNQ2-Related Self-Limited Familial Neonatal Epilepsy (SLFNE); Seizures, benign neonatal, 1. Identifiers: Orphanet 1949, MedGen C3149074, MONDO:0007365, OMIM 121200.

Submission:

GeneReviews
No classification provided. Condition: Seizures, benign familial neonatal, 1. Review status: no classification provided. Collection method: literature only. Allele origin: germline. Affected: yes.
Comment: BFNE (benign familial neonatal epilepsy)

Literature cited by the submitters: PubMed 23360469; NCBI Bookshelf NBK32534.